The following is an entry in ClinVar:

NM_018670.4(MESP1):c.236T>C (p.Leu79Pro)

Genes: MESP1 (mesoderm posterior bHLH transcription factor 1; minus strand), LOC130057889 (ATAC-STARR-seq lymphoblastoid silent region 6804; plus strand). Cytogenetic location: 15q26.1.
Variant type: single nucleotide variant.
Coding change: c.236T>C on transcript NM_018670.4 (MANE Select); coding-DNA position 236, T replaced by C.
Protein change: p.Leu79Pro; replaces leucine 79 with proline.
Molecular consequence: missense variant.
Genome position (GRCh38, 1-based): chr15:89,750,996, A>G on the plus strand (T>C on the coding strand, the complement: MESP1 is on the minus strand). VCF-style: chr15-89750996-A-G. GRCh37 (hg19) VCF-style: chr15-90294227-A-G.
Other names: c.236T>C (NM_018670.3); short protein forms L79P.
Identifiers: ClinVar variation 2053517 (VCV002053517.5), dbSNP rs768730205, ClinGen allele CA7730268.

ClinVar aggregate classification (germline): Uncertain significance. Review status: criteria provided, multiple submitters, no conflicts (2 of 4 stars). 2 submissions from 2 submitters: Uncertain significance (2). Last evaluated 2024-12-11.

Allele frequency attached by ClinVar (database versions not stated): TOPMed 0.00018; gnomAD 0.00015; 1000 Genomes Project 30x 0.00016.

Submissions (2):

Labcorp Genetics (formerly Invitae), Labcorp
Classification: Uncertain significance. Last evaluated: 2024-12-11. Review status: criteria provided, single submitter. Criteria: Invitae Variant Classification Sherloc (09022015). Collection method: clinical testing. Allele origin: germline.
Comment: This sequence change replaces leucine, which is neutral and non-polar, with proline, which is neutral and non-polar, at codon 79 of the MESP1 protein (p.Leu79Pro). This variant is present in population databases (rs768730205, gnomAD 0.03%). This variant has not been reported in the literature in individuals affected with MESP1-related conditions. ClinVar contains an entry for this variant (Variation ID: 2053517). An algorithm developed to predict the effect of missense changes on protein structure and function (PolyPhen-2) suggests that this variant is likely to be disruptive. In summary, the available evidence is currently insufficient to determine the role of this variant in disease. Therefore, it has been classified as a Variant of Uncertain Significance.

Ambry Genetics
Classification: Uncertain significance. Last evaluated: 2023-12-12. Review status: criteria provided, single submitter. Criteria: Ambry Variant Classification Scheme 2023. Collection method: clinical testing. Allele origin: germline.